The following is an entry in ClinVar:

ClinVar aggregate classification (germline): Uncertain significance (1 of 4 stars; one submission).

Allele frequency attached by ClinVar (database versions not stated): gnomAD exomes below 0.00001 and 0.00001; gnomAD 0.00001; TOPMed 0.00001; ExAC 0.00004; 1000 Genomes Project 30x 0.00016; 1000 Genomes Project 0.00020.
gnomAD v4.1: 6 of 1,552,032 alleles (0.00039%); highest among the groups gnomAD compares: Admixed American, 0.0039%; no homozygotes.

Submission:

Labcorp Genetics (formerly Invitae), Labcorp
Classification: Uncertain significance. Last evaluated: 2019-12-27. Review status: criteria provided, single submitter. Criteria: Invitae Variant Classification Sherloc (09022015). Collection method: clinical testing. Allele origin: germline.
Comment: This sequence change replaces glycine with serine at codon 475 of the KPNA7 protein (p.Gly475Ser). The glycine residue is weakly conserved and there is a small physicochemical difference between glycine and serine. This variant is present in population databases (rs576692272, ExAC 0.2%). This variant has not been reported in the literature in individuals with KPNA7-related disease. Algorithms developed to predict the effect of missense changes on protein structure and function output the following: SIFT: "Tolerated"; PolyPhen-2: "Benign"; Align-GVGD: "Class C0". The serine amino acid residue is found in multiple mammalian species, suggesting that this missense change does not adversely affect protein function. These predictions have not been confirmed by published functional studies and their clinical significance is uncertain. In summary, the available evidence is currently insufficient to determine the role of this variant in disease. Therefore, it has been classified as a Variant of Uncertain Significance.

NM_001145715.3(KPNA7):c.1423G>A (p.Gly475Ser)

Gene: KPNA7 (karyopherin subunit alpha 7; minus strand). Cytogenetic location: 7q22.1.
Variant type: single nucleotide variant.
Coding change: c.1423G>A on transcript NM_001145715.3 (MANE Select); coding-DNA position 1423, G replaced by A.
Protein change: p.Gly475Ser; replaces glycine 475 with serine.
Molecular consequence: missense variant.
Genome position (GRCh38, 1-based): chr7:99,177,961, C>T on the plus strand (G>A on the coding strand, the complement: KPNA7 is on the minus strand). VCF-style: chr7-99177961-C-T. GRCh37 (hg19) VCF-style: chr7-98775584-C-T.
Other names: short protein forms G475S.
Identifiers: ClinVar variation 655368 (VCV000655368.10), dbSNP rs576692272, ClinGen allele CA4363098.